The following is an entry in ClinVar:

ClinVar aggregate classification (germline): Uncertain significance (1 of 4 stars; one submission).

gnomAD v4.1: 3 of 1,507,782 alleles (0.0002%); highest among the groups gnomAD compares: African/African-American, 0.0042%; no homozygotes.

Submission:

Women's Health and Genetics/Laboratory Corporation of America, LabCorp
Classification: Uncertain significance. Last evaluated: 2025-10-10. Review status: criteria provided, single submitter. Criteria: LabCorp Variant Classification Summary - May 2015. Collection method: clinical testing. Allele origin: germline.
Comment: Variant summary: GLI1 c.3296C>T (p.Thr1099Ile) results in a non-conservative amino acid change in the encoded protein sequence. Algorithms developed to predict the effect of missense changes on protein structure and function are either unavailable or do not agree on the potential impact of this missense change. The variant was absent in 169966 control chromosomes. The available data on variant occurrences in the general population are insufficient to allow any conclusion about variant significance. To our knowledge, no occurrence of c.3296C>T in individuals affected with GLI1-related conditions and no experimental evidence demonstrating its impact on protein function have been reported. No submitters have cited clinical-significance assessments for this variant to ClinVar. Based on the evidence outlined above, the variant was classified as uncertain significance.

NM_005269.3(GLI1):c.3296C>T (p.Thr1099Ile)

Gene: GLI1 (GLI family zinc finger 1; plus strand). Cytogenetic location: 12q13.3.
Variant type: single nucleotide variant.
Coding change: c.3296C>T on transcript NM_005269.3 (MANE Select); coding-DNA position 3296, C replaced by T.
Protein change: p.Thr1099Ile; replaces threonine 1099 with isoleucine.
Molecular consequence: missense variant.
Genome position (GRCh38, 1-based): chr12:57,472,036, C>T. VCF-style: chr12-57472036-C-T. GRCh37 (hg19) VCF-style: chr12-57865819-C-T.
Other names: c.2912C>T, p.Thr971Ile (NM_001160045.2); c.3173C>T, p.Thr1058Ile (NM_001167609.2); short protein forms T1058I, T1099I, T971I.
Identifiers: ClinVar variation 4687376 (VCV004687376.1).